The following is an entry in ClinVar:

ClinVar aggregate classification (germline): Pathogenic (1 of 4 stars; one submission).

Conditions:
Fanconi anemia (FA). Also called: Fanconi's anemia. Identifiers: Orphanet 84, MedGen C0015625, MeSH D005199, MONDO:0019391.

Allele frequency attached by ClinVar (database versions not stated): gnomAD exomes below 0.00001.

Submission:

Labcorp Genetics (formerly Invitae), Labcorp
Classification: Pathogenic for Fanconi anemia. Last evaluated: 2023-06-05. Review status: criteria provided, single submitter. Criteria: Invitae Variant Classification Sherloc (09022015). Collection method: clinical testing. Allele origin: germline.
Comment: For these reasons, this variant has been classified as Pathogenic. ClinVar contains an entry for this variant (Variation ID: 2191507). This variant has not been reported in the literature in individuals affected with FANCD2-related conditions. This variant is not present in population databases (gnomAD no frequency). This sequence change creates a premature translational stop signal (p.Gln1053Glyfs*31) in the FANCD2 gene. It is expected to result in an absent or disrupted protein product. Loss-of-function variants in FANCD2 are known to be pathogenic (PMID: 17436244).

Literature cited by the submitters: PubMed 17436244.

NM_001018115.3(FANCD2):c.3156_3157insGGAC (p.Gln1053fs)

Genes: FANCD2 (FA complementation group D2; plus strand), FANCD2OS (FANCD2 opposite strand; minus strand). Cytogenetic location: 3p25.3.
Variant type: Insertion.
Coding change: c.3156_3157insGGAC on transcript NM_001018115.3 (MANE Select); coding-DNA positions 3156 to 3157, GGAC inserted.
Protein change: p.Gln1053fs; shifts the reading frame from glutamine 1053.
Molecular consequence: frameshift variant. On other transcripts: 3 prime UTR variant (1).
Genome position: GRCh38 VCF-style: chr3-10081396-T-TGGAC. GRCh37 (hg19) VCF-style: chr3-10123080-T-TGGAC.
Other names: c.*178_*179insGTCC (NM_173472.2); c.3156_3157insGGAC, p.Gln1053fs (NM_001319984.2, NM_001374254.1, NM_033084.6); c.3045_3046insGGAC, p.Gln1016fs (NM_001374253.1); short protein forms Q1016fs, Q1053fs.
Identifiers: ClinVar variation 2191507 (VCV002191507.3), dbSNP rs2470015718, ClinGen allele CA2577504525.
Genomic context (GRCh38, chr3:10,081,396, plus strand): 5'-TTATTTTTAGTGTTTAGCTGCTGAGAATCACGGTGTAGTTGATGGACCAGGAGTGAAAGT[T>TGGAC]CAGGAGTACCACATAATGTCTTCCTGCTATCAGAGGCTGCTGCAGATTTTTCATGGGCTT-3'